The following is an entry in ClinVar:

NM_001012301.4(ARSI):c.248A>C (p.Lys83Thr)

Gene: ARSI (arylsulfatase family member I; minus strand). Cytogenetic location: 5q32.
Variant type: single nucleotide variant.
Coding change: c.248A>C on transcript NM_001012301.4 (MANE Select); coding-DNA position 248, A replaced by C.
Protein change: p.Lys83Thr; replaces lysine 83 with threonine.
Molecular consequence: missense variant.
Genome position (GRCh38, 1-based): chr5:150,302,126, T>G on the plus strand (A>C on the coding strand, the complement: ARSI is on the minus strand). VCF-style: chr5-150302126-T-G. GRCh37 (hg19) VCF-style: chr5-149681689-T-G.
Other names: c.248A>C (NM_001012301.2); short protein forms K83T.
Identifiers: ClinVar variation 3666699 (VCV003666699.3).

ClinVar aggregate classification (germline): Uncertain significance. Review status: criteria provided, multiple submitters, no conflicts (2 of 4 stars). 2 submissions from 2 submitters: Uncertain significance (2). Last evaluated 2025-09-01.

Conditions:
Spastic paraplegia. Identifiers: MedGen C0037772, HP:0001258.

gnomAD v4.1: 61 of 1,611,674 alleles (0.0038%); highest among the groups gnomAD compares: Non-Finnish European, 0.005%; no homozygotes.

Submissions (2):

Ambry Genetics
Classification: Uncertain significance. Last evaluated: 2025-09-01. Review status: criteria provided, single submitter. Criteria: Ambry Variant Classification Scheme 2023. Collection method: clinical testing. Allele origin: germline.

Labcorp Genetics (formerly Invitae), Labcorp
Classification: Uncertain significance for Spastic paraplegia. Last evaluated: 2024-08-28. Review status: criteria provided, single submitter. Criteria: Invitae Variant Classification Sherloc (09022015). Collection method: clinical testing. Allele origin: germline.
Comment: This sequence change replaces lysine, which is basic and polar, with threonine, which is neutral and polar, at codon 83 of the ARSI protein (p.Lys83Thr). This variant is present in population databases (rs775632237, gnomAD 0.006%). This variant has not been reported in the literature in individuals affected with ARSI-related conditions. Invitae Evidence Modeling of protein sequence and biophysical properties (such as structural, functional, and spatial information, amino acid conservation, physicochemical variation, residue mobility, and thermodynamic stability) indicates that this missense variant is not expected to disrupt ARSI protein function with a negative predictive value of 80%. In summary, the available evidence is currently insufficient to determine the role of this variant in disease. Therefore, it has been classified as a Variant of Uncertain Significance.